The following is an entry in ClinVar:

NM_138420.4(AHNAK2):c.8598C>T (p.Pro2866=)

Gene: AHNAK2 (AHNAK nucleoprotein 2; minus strand). Cytogenetic location: 14q32.33.
Variant type: single nucleotide variant.
Coding change: c.8598C>T on transcript NM_138420.4 (MANE Select); coding-DNA position 8598, C replaced by T.
Protein change: p.Pro2866=; no amino-acid change (proline 2866 retained).
Molecular consequence: synonymous variant.
Genome position (GRCh38, 1-based): chr14:104,946,853, G>A on the plus strand (C>T on the coding strand, the complement: AHNAK2 is on the minus strand). VCF-style: chr14-104946853-G-A. GRCh37 (hg19) VCF-style: chr14-105413190-G-A.
Other names: c.8298C>T, p.Pro2766= (NM_001350929.2).
Identifiers: ClinVar variation 2644697 (VCV002644697.24), dbSNP rs199525468, ClinGen allele CA7380004.

ClinVar aggregate classification (germline): Benign (1 of 4 stars; one submission).

Allele frequency attached by ClinVar (database versions not stated): gnomAD exomes 0.00097; ExAC 0.00136; 1000 Genomes Project 0.00140; 1000 Genomes Project 30x 0.00500.

Submission:

CeGaT Center for Human Genetics Tuebingen
Classification: Benign. Last evaluated: 2022-10-01. Review status: criteria provided, single submitter. Criteria: CeGaT Center For Human Genetics Tuebingen Variant Classification Criteria Version 2. Collection method: clinical testing. Allele origin: germline. Affected: yes. Observed: 1 variant allele.
Comment: AHNAK2: BS1, BS2